The following is an entry in ClinVar:

NM_182961.4(SYNE1):c.4008+19G>A

Gene: SYNE1 (spectrin repeat containing nuclear envelope protein 1; minus strand). Cytogenetic location: 6q25.2.
Variant type: single nucleotide variant.
Coding change: c.4008+19G>A on transcript NM_182961.4 (MANE Select); 19 bases into the intron after coding-DNA position 4008, G replaced by A.
Molecular consequence: intron variant.
Genome position (GRCh38, 1-based): chr6:152,442,056, C>T on the plus strand (G>A on the coding strand, the complement: SYNE1 is on the minus strand). VCF-style: chr6-152442056-C-T. GRCh37 (hg19) VCF-style: chr6-152763191-C-T.
Other names: c.4029+19G>A (NM_033071.5).
Identifiers: ClinVar variation 383311 (VCV000383311.15), dbSNP rs202076757, ClinGen allele CA4058677.

ClinVar aggregate classification (germline): Benign/Likely benign. Review status: criteria provided, multiple submitters, no conflicts (2 of 4 stars). 5 submissions from 5 submitters: Benign (1); Likely benign (3). 1 of the submissions does not count toward it. Last evaluated 2026-01-26.

Conditions:
Autosomal recessive ataxia, Beauce type. Also called: SYNE1-Related Autosomal Recessive Cerebellar Ataxia; SYNE1 Deficiency; Spinocerebellar ataxia, autosomal recessive 8; ATAXIA, RECESSIVE, OF BEAUCE. Identifiers: Orphanet 88644, MedGen C1853116, MONDO:0012549, OMIM 610743.
Emery-Dreifuss muscular dystrophy 4, autosomal dominant (EDMD4). Also called: EMERY-DREIFUSS MUSCULAR DYSTROPHY 4 WITH VARIABLE FEATURES. Identifiers: Orphanet 261, MedGen C2751807, MONDO:0013071, OMIM 612998.
SYNE1-related disorder. Also called: SYNE1-related disease; SYNE1-related condition; SYNE1-related disorders.

Allele frequency attached by ClinVar (database versions not stated): ESP Exome Variant Server 0.00054; gnomAD 0.00071 and 0.00078; TOPMed 0.00083; gnomAD exomes 0.00090 and 0.00118; ExAC 0.00120; 1000 Genomes Project 30x 0.00187; 1000 Genomes Project 0.00220.
gnomAD v4.1: 1,461 of 1,613,872 alleles (0.091%); highest among the groups gnomAD compares: Middle Eastern, 0.36%; 1 homozygote.

Submissions (5):

Labcorp Genetics (formerly Invitae), Labcorp
Classification: Benign for Emery-Dreifuss muscular dystrophy 4, autosomal dominant; Autosomal recessive ataxia, Beauce type. Last evaluated: 2026-01-26. Review status: criteria provided, single submitter. Criteria: Invitae Variant Classification Sherloc (09022015). Collection method: clinical testing. Allele origin: germline.

Blueprint Genetics
Classification: Likely benign. Last evaluated: 2024-11-13. Review status: criteria provided, single submitter. Criteria: ACMG Guidelines, 2015. Collection method: clinical testing. Allele origin: germline.

GeneDx
Classification: Likely benign. Last evaluated: 2018-04-24. Review status: criteria provided, single submitter. Criteria: GeneDx Variant Classification Process June 2021. Collection method: clinical testing. Allele origin: germline. Affected: yes.

Breakthrough Genomics
Classification: Likely benign. Review status: criteria provided, single submitter. Criteria: ACMG Guidelines, 2015. Collection method: not provided. Allele origin: germline. Inheritance: Autosomal recessive inheritance. Affected: yes.

PreventionGenetics, part of Exact Sciences
Classification: Likely benign for SYNE1-related condition. Last evaluated: 2022-12-18. Review status: no assertion criteria provided. Collection method: clinical testing. Allele origin: germline. Not counted in ClinVar's aggregate classification.
Comment: This variant is classified as likely benign based on ACMG/AMP sequence variant interpretation guidelines (Richards et al. 2015 PMID: 25741868, with internal and published modifications).